The following is an entry in ClinVar:

ClinVar aggregate classification (germline): Pathogenic. Review status: no assertion criteria provided (0 of 4 stars). 2 submissions from 2 submitters: Pathogenic (2). Last evaluated 2017-11-28.

Conditions:
Fanconi anemia, complementation group W. Identifiers: MedGen C4521564, MONDO:0044325, OMIM 617784.

Submissions (2):

OMIM
Classification: Pathogenic for FANCONI ANEMIA, COMPLEMENTATION GROUP W (1 patient). Last evaluated: 2017-11-28. Review status: no assertion criteria provided. Collection method: literature only. Allele origin: germline.

Leiden Open Variation Database
Classification: Pathogenic. Last evaluated: 2017-09-08. Review status: no assertion criteria provided. Collection method: curation. Allele origin: germline. Affected: yes.
Comment: Curator: Arleen D. Auerbach. Submitter to LOVD: Johan den Dunnen.

Literature cited by the submitters: PubMed 28691929 (cited by OMIM and Leiden Open Variation Database).

NM_018124.4(RFWD3):c.1916T>A (p.Ile639Lys)

Gene: RFWD3 (ring finger and WD repeat domain 3; minus strand). Cytogenetic location: 16q23.1.
Variant type: single nucleotide variant.
Coding change: c.1916T>A on transcript NM_018124.4 (MANE Select); coding-DNA position 1916, T replaced by A.
Protein change: p.Ile639Lys; replaces isoleucine 639 with lysine.
Molecular consequence: missense variant.
Genome position (GRCh38, 1-based): chr16:74,628,505, A>T on the plus strand (T>A on the coding strand, the complement: RFWD3 is on the minus strand). VCF-style: chr16-74628505-A-T. GRCh37 (hg19) VCF-style: chr16-74662403-A-T.
Other names: NM_018124.3:c.1916T>A; c.1916T>A, p.Ile639Lys (NM_001370534.1, NM_001370535.1); c.1739T>A, p.Ile580Lys (NM_001370536.1); c.1082T>A, p.Ile361Lys (NM_001370537.1, NM_001370539.1, NM_001370540.1 and 2 more transcripts); short protein forms I639K, I361K, I580K.
Identifiers: ClinVar variation 446412 (VCV000446412.2), dbSNP rs1555524842, ClinGen allele CA396759750.